The following is an entry in ClinVar:

NM_003001.5(SDHC):c.179+2T>A

Gene: SDHC (succinate dehydrogenase complex subunit C; plus strand). Cytogenetic location: 1q23.3.
Variant type: single nucleotide variant.
Coding change: c.179+2T>A on transcript NM_003001.5 (MANE Select); the canonical splice donor site of the intron after coding-DNA position 179, T replaced by A.
Molecular consequence: splice donor variant. On other transcripts: intron variant (4).
Genome position (GRCh38, 1-based): chr1:161,328,499, T>A. VCF-style: chr1-161328499-T-A. GRCh37 (hg19) VCF-style: chr1-161298289-T-A.
Other names: c.68+2T>A (NM_001407119.1, NM_001407120.1); c.122+2T>A (NM_001407116.1, NM_001407121.1, NM_001407117.1); c.21-12095T>A (NM_001035513.3); c.179+2T>A (NM_001407115.1, NM_001035511.3); c.77+4829T>A (NM_001035512.3, NM_001278172.3, NM_001407118.1).
Identifiers: ClinVar variation 2953422 (VCV002953422.3), dbSNP rs2526365751, ClinGen allele CA343361397.

ClinVar aggregate classification (germline): Likely pathogenic (1 of 4 stars; one submission).

Conditions:
Gastrointestinal stromal tumor. Also called: Gastrointestinal stromal tumor, somatic; Gastrointestinal stroma tumor. Identifiers: Orphanet 44890, MedGen C0238198, MeSH D046152, MONDO:0011719, OMIM 606764, HP:0100723.
Pheochromocytoma/paraganglioma syndrome 3. Also called: GLOMUS TUMORS, FAMILIAL, 3; Paragangliomas 3; SDHC-Related Hereditary Paraganglioma-Pheochromocytoma Syndrome (Paragangliomas 3); SDHC-Related Hereditary Paraganglioma-Pheochromocytoma Syndrome. Identifiers: Orphanet 29072, MedGen C1854336, MONDO:0011544, OMIM 605373.

Submission:

Labcorp Genetics (formerly Invitae), Labcorp
Classification: Likely pathogenic for Pheochromocytoma/paraganglioma syndrome 3; Gastrointestinal stromal tumor. Last evaluated: 2023-11-08. Review status: criteria provided, single submitter. Criteria: Invitae Variant Classification Sherloc (09022015). Collection method: clinical testing. Allele origin: germline.
Comment: This sequence change affects a donor splice site in intron 3 of the SDHC gene. It is expected to disrupt RNA splicing. Variants that disrupt the donor or acceptor splice site typically lead to a loss of protein function (PMID: 16199547), and loss-of-function variants in SDHC are known to be pathogenic (PMID: 17667967, 19454582, 23282968, 24758179). This variant is not present in population databases (gnomAD no frequency). This variant has not been reported in the literature in individuals affected with SDHC-related conditions. Algorithms developed to predict the effect of sequence changes on RNA splicing suggest that this variant may disrupt the consensus splice site. In summary, the currently available evidence indicates that the variant is pathogenic, but additional data are needed to prove that conclusively. Therefore, this variant has been classified as Likely Pathogenic.

Literature cited by the submitters: PubMed 16199547; PubMed 17667967; PubMed 19454582; PubMed 23282968; PubMed 24758179.